The following is an entry in ClinVar:

NM_003105.6(SORL1):c.3857G>A (p.Arg1286His)

Gene: SORL1 (sortilin related receptor 1; plus strand). Cytogenetic location: 11q24.1.
Variant type: single nucleotide variant.
Coding change: c.3857G>A on transcript NM_003105.6 (MANE Select); coding-DNA position 3857, G replaced by A.
Protein change: p.Arg1286His; replaces arginine 1286 with histidine.
Molecular consequence: missense variant.
Genome position (GRCh38, 1-based): chr11:121,588,062, G>A. VCF-style: chr11-121588062-G-A. GRCh37 (hg19) VCF-style: chr11-121458771-G-A.
Other names: short protein forms R1286H.
Identifiers: ClinVar variation 1437499 (VCV001437499.6), dbSNP rs912116035, ClinGen allele CA229863502.

ClinVar aggregate classification (germline): Uncertain significance (1 of 4 stars; one submission).

Allele frequency attached by ClinVar (database versions not stated): gnomAD exomes 0.00002.

Submission:

Labcorp Genetics (formerly Invitae), Labcorp
Classification: Uncertain significance. Last evaluated: 2021-08-03. Review status: criteria provided, single submitter. Criteria: Invitae Variant Classification Sherloc (09022015). Collection method: clinical testing. Allele origin: germline.
Comment: In summary, the available evidence is currently insufficient to determine the role of this variant in disease. Therefore, it has been classified as a Variant of Uncertain Significance. Algorithms developed to predict the effect of missense changes on protein structure and function output the following: SIFT: "Tolerated"; PolyPhen-2: "Benign"; Align-GVGD: "Class C0". The histidine amino acid residue is found in multiple mammalian species, which suggests that this missense change does not adversely affect protein function. This variant has not been reported in the literature in individuals affected with SORL1-related conditions. This variant is not present in population databases (ExAC no frequency). This sequence change replaces arginine with histidine at codon 1286 of the SORL1 protein (p.Arg1286His). The arginine residue is highly conserved and there is a small physicochemical difference between arginine and histidine.